The following is an entry in ClinVar:

ClinVar aggregate classification (germline): Uncertain significance (1 of 4 stars; one submission).

Conditions:
Hereditary cancer-predisposing syndrome. Also called: Neoplastic Syndromes, Hereditary; Tumor predisposition; Hereditary Cancer Syndrome; Hereditary neoplastic syndrome. Identifiers: Orphanet 140162, MedGen C0027672, MeSH D009386, MONDO:0015356.

Submission:

Ambry Genetics
Classification: Uncertain significance for Hereditary cancer-predisposing syndrome. Last evaluated: 2025-11-22. Review status: criteria provided, single submitter. Criteria: Ambry Variant Classification Scheme 2023. Collection method: clinical testing. Allele origin: germline.
Comment: The p.T393S variant (also known as c.1177A>T), located in coding exon 7 of the PDGFRA gene, results from an A to T substitution at nucleotide position 1177. The threonine at codon 393 is replaced by serine, an amino acid with similar properties. This amino acid position is conserved. In addition, this alteration is predicted to be deleterious by in silico analysis. Based on the available evidence, the clinical significance of this variant remains unclear.

NM_006206.6(PDGFRA):c.1177A>T (p.Thr393Ser)

Gene: PDGFRA (platelet derived growth factor receptor alpha; plus strand). Cytogenetic location: 4q12.
Variant type: single nucleotide variant.
Coding change: c.1177A>T on transcript NM_006206.6 (MANE Select); coding-DNA position 1177, A replaced by T.
Protein change: p.Thr393Ser; replaces threonine 393 with serine.
Molecular consequence: missense variant.
Genome position (GRCh38, 1-based): chr4:54,270,688, A>T. VCF-style: chr4-54270688-A-T. GRCh37 (hg19) VCF-style: chr4-55136855-A-T.
Other names: c.1177A>T, p.Thr393Ser (NM_001347827.2, NM_001347829.2); c.1252A>T, p.Thr418Ser (NM_001347828.2); c.1216A>T, p.Thr406Ser (NM_001347830.2); short protein forms T418S, T406S, T393S.
Identifiers: ClinVar variation 4665452 (VCV004665452.1).